The following is an entry in ClinVar:

ClinVar aggregate classification (germline): Likely benign. Review status: criteria provided, multiple submitters, no conflicts (2 of 4 stars). 2 submissions from 2 submitters: Likely benign (2). Last evaluated 2025-12-24.

Allele frequency attached by ClinVar (database versions not stated): gnomAD exomes below 0.00001 and 0.00001; gnomAD 0.00001; ExAC 0.00002; TOPMed 0.00005; ESP Exome Variant Server 0.00008.

Submissions (2):

Labcorp Genetics (formerly Invitae), Labcorp
Classification: Likely benign. Last evaluated: 2025-12-24. Review status: criteria provided, single submitter. Criteria: Invitae Variant Classification Sherloc (09022015). Collection method: clinical testing. Allele origin: germline.

GeneDx
Classification: Likely benign. Last evaluated: 2017-04-18. Review status: criteria provided, single submitter. Criteria: GeneDx Variant Classification (06012015). Collection method: clinical testing. Allele origin: germline. Affected: yes.
Comment: This variant is considered likely benign or benign based on one or more of the following criteria: it is a conservative change, it occurs at a poorly conserved position in the protein, it is predicted to be benign by multiple in silico algorithms, and/or has population frequency not consistent with disease.

NM_006231.4(POLE):c.285+17G>A

Gene: POLE (DNA polymerase epsilon, catalytic subunit; minus strand). Cytogenetic location: 12q24.33.
Variant type: single nucleotide variant.
Coding change: c.285+17G>A on transcript NM_006231.4 (MANE Select); 17 bases into the intron after coding-DNA position 285, G replaced by A.
Molecular consequence: intron variant.
Genome position (GRCh38, 1-based): chr12:132,680,590, C>T on the plus strand (G>A on the coding strand, the complement: POLE is on the minus strand). VCF-style: chr12-132680590-C-T. GRCh37 (hg19) VCF-style: chr12-133257176-C-T.
Identifiers: ClinVar variation 509059 (VCV000509059.8), dbSNP rs5744736, ClinGen allele CA6894389.